The following is an entry in ClinVar:

ClinVar aggregate classification (germline): Uncertain significance (1 of 4 stars; one submission).

Submission:

GeneDx
Classification: Uncertain significance. Last evaluated: 2025-01-24. Review status: criteria provided, single submitter. Criteria: GeneDx Variant Classification Process June 2021. Collection method: clinical testing. Allele origin: germline. Affected: yes.
Comment: Not observed at significant frequency in large population cohorts (gnomAD); In silico analysis indicates that this missense variant does not alter protein structure/function; Has not been previously published as pathogenic or benign to our knowledge

NM_005097.4(LGI1):c.176G>A (p.Arg59Lys)

Gene: LGI1 (leucine rich glioma inactivated 1; plus strand). Cytogenetic location: 10q23.33.
Variant type: single nucleotide variant.
Coding change: c.176G>A on transcript NM_005097.4 (MANE Select); coding-DNA position 176, G replaced by A.
Protein change: p.Arg59Lys; replaces arginine 59 with lysine.
Molecular consequence: missense variant. On other transcripts: non-coding transcript variant (1).
Genome position (GRCh38, 1-based): chr10:93,758,320, G>A. VCF-style: chr10-93758320-G-A. GRCh37 (hg19) VCF-style: chr10-95518077-G-A.
Other names: c.176G>A, p.Arg59Lys (NM_001308275.2, NM_001308276.2); short protein forms R59K.
Identifiers: ClinVar variation 4071754 (VCV004071754.1).
Genomic context (GRCh38, chr10:93,758,320, plus strand): 5'-AGCCAAAATGCCCTGCCGTGTGTACTTGTACCAAAGATAATGCTTTATGTGAGAATGCCA[G>A]ATCCATTCCACGCACCGTTCCTCCTGATGTTATCTCATTGTAAGGCCCGTAAGCATTTTG-3'
Protein context (NP_005088.1, residues 49-69): TKDNALCENA[Arg59Lys]SIPRTVPPDV